The following is an entry in ClinVar:

ClinVar aggregate classification (germline): Likely benign (1 of 4 stars; one submission).

Submission:

Mayo Clinic Laboratories, Mayo Clinic
Classification: Likely benign. Last evaluated: 2025-04-29. Review status: criteria provided, single submitter. Criteria: ACMG Guidelines, 2015. Collection method: clinical testing. Allele origin: germline. Observed: 2 variant alleles.
Comment: BP4, BP7

NM_021830.5(TWNK):c.258G>A (p.Glu86=)

Gene: TWNK (twinkle mtDNA helicase; plus strand). Cytogenetic location: 10q24.31.
Variant type: single nucleotide variant.
Coding change: c.258G>A on transcript NM_021830.5 (MANE Select); coding-DNA position 258, G replaced by A.
Protein change: p.Glu86=; no amino-acid change (glutamic acid 86 retained).
Molecular consequence: synonymous variant. On other transcripts: non-coding transcript variant (4), intron variant (3).
Genome position (GRCh38, 1-based): chr10:100,988,468, G>A. VCF-style: chr10-100988468-G-A. GRCh37 (hg19) VCF-style: chr10-102748225-G-A.
Other names: p.Glu86=; c.258G>A, p.Glu86= (NM_001163812.2); c.-120+855G>A (NM_001163814.2, NM_001163813.2); c.-58+855G>A (NM_001368275.1).
Identifiers: ClinVar variation 4683536 (VCV004683536.1).
Genomic context (GRCh38, chr10:100,988,468, plus strand): 5'-GCATGGGATCCCCTTCCAGGATGGTCACAGTTGCCTGCGGGCACTGAGCCCCTTTGCAGA[G>A]TCTTCACAGCTCAAAGGCCAGACTGGTGTTACCACTTCCTTCAGCCTCTTCATTGACAAG-3'
Protein context (NP_068602.2, residues 76-96): SCLRALSPFA[Glu86=]SSQLKGQTGV